The following is an entry in ClinVar:

ClinVar aggregate classification (germline): Pathogenic/Likely pathogenic. Review status: criteria provided, multiple submitters, no conflicts (2 of 4 stars). 2 submissions from 2 submitters: Pathogenic (1); Likely pathogenic (1). Last evaluated 2024-11-22.

Conditions:
Cardiovascular phenotype. Identifiers: MedGen CN230736.
Dilated cardiomyopathy 1HH (CMD1HH). Identifiers: Orphanet 154, MedGen C3151293, MONDO:0013479, OMIM 613881.

Submissions (2):

Ambry Genetics
Classification: Pathogenic for Cardiovascular phenotype. Last evaluated: 2024-11-22. Review status: criteria provided, single submitter. Criteria: Ambry Variant Classification Scheme 2023. Collection method: clinical testing. Allele origin: germline.
Comment: The c.1259delC pathogenic mutation, located in coding exon 4 of the BAG3 gene, results from a deletion of one nucleotide at nucleotide position 1259, causing a translational frameshift with a predicted alternate stop codon (p.P420Qfs*4). This alteration occurs at the 3' terminus of theBAG3 gene, is not expected to trigger nonsense-mediated mRNA decay, and only impacts the last 25% of the protein. However, premature stop codons are typically deleterious in nature and the impacted region is critical for protein function and a significant portion of the protein is affected (Ambry internal data). This variant is considered to be rare based on population cohorts in the Genome Aggregation Database (gnomAD). Based on the supporting evidence, this variant is interpreted as a disease-causing mutation.

Institute of Human Genetics Munich, TUM University Hospital
Classification: Likely pathogenic for Dilated cardiomyopathy 1HH. Last evaluated: 2024-09-02. Review status: criteria provided, single submitter. Criteria: Classification criteria August 2017. Collection method: clinical testing. Allele origin: germline. Inheritance: Autosomal dominant inheritance. Affected: yes. Observed: 1 variant allele.

NM_004281.4(BAG3):c.1259del (p.Pro420fs)

Gene: BAG3 (BAG cochaperone 3; plus strand). Cytogenetic location: 10q26.11.
Variant type: Deletion.
Coding change: c.1259del on transcript NM_004281.4 (MANE Select); coding-DNA position 1259, one base deleted (C; older notation c.1259delC).
Protein change: p.Pro420fs; shifts the reading frame from proline 420.
Molecular consequence: frameshift variant.
Genome position (GRCh38, 1-based): chr10:119,676,813, C deleted; the last of 2 consecutive C bases (chr10:119,676,812-119,676,813); deleting either gives the same sequence. VCF-style (leftmost placement, unchanged base first): chr10-119676811-TC-T. GRCh37 (hg19) VCF-style: chr10-121436323-TC-T.
Other names: short protein forms P420fs.
Identifiers: ClinVar variation 3474858 (VCV003474858.6).